The following is an entry in ClinVar:

NM_000229.2(LCAT):c.659A>G (p.Gln220Arg)

Gene: LCAT (lecithin-cholesterol acyltransferase; minus strand). Cytogenetic location: 16q22.1.
Variant type: single nucleotide variant.
Coding change: c.659A>G on transcript NM_000229.2 (MANE Select); coding-DNA position 659, A replaced by G.
Protein change: p.Gln220Arg; replaces glutamine 220 with arginine.
Molecular consequence: missense variant.
Genome position (GRCh38, 1-based): chr16:67,942,452, T>C on the plus strand (A>G on the coding strand, the complement: LCAT is on the minus strand). VCF-style: chr16-67942452-T-C. GRCh37 (hg19) VCF-style: chr16-67976355-T-C.
Other names: short protein forms Q220R.
Identifiers: ClinVar variation 3866617 (VCV003866617.1).

ClinVar aggregate classification (germline): Uncertain significance (1 of 4 stars; one submission).

Conditions:
Cardiovascular phenotype. Identifiers: MedGen CN230736.

Submission:

Ambry Genetics
Classification: Uncertain significance for Cardiovascular phenotype. Last evaluated: 2025-02-13. Review status: criteria provided, single submitter. Criteria: Ambry Variant Classification Scheme 2023. Collection method: clinical testing. Allele origin: germline.
Comment: The p.Q220R variant (also known as c.659A>G), located in coding exon 5 of the LCAT gene, results from an A to G substitution at nucleotide position 659. The glutamine at codon 220 is replaced by arginine, an amino acid with highly similar properties. This amino acid position is conserved. In addition, this alteration is predicted to be deleterious by in silico analysis. Based on the available evidence, the clinical significance of this variant remains unclear.